The following is an entry in ClinVar:

ClinVar aggregate classification (germline): Pathogenic (1 of 4 stars; one submission).

Conditions:
Nemaline myopathy. Also called: Myopathies, Nemaline. Identifiers: Orphanet 607, MedGen C0206157, MONDO:0018958.

gnomAD v4.1: 1 of 1,613,034 alleles (0.000062%); highest among the groups gnomAD compares: East Asian, 0.0022%; no homozygotes.

Submission:

Broad Center for Mendelian Genomics, Broad Institute of MIT and Harvard
Classification: Pathogenic for Nemaline myopathy. Last evaluated: 2025-03-18. Review status: criteria provided, single submitter. Criteria: ACMG Guidelines, 2015. Collection method: curation. Allele origin: germline. Inheritance: Autosomal recessive inheritance.
Comment: The p.Tyr2551Ter variant in NEB has been reported, in the heterozygous state, in one individual with nemaline myopathy (PMID: 32222963), and has been identified in 0.002% (1/44876) of East Asian chromosomes by the Genome Aggregation Database (gnomAD; dbSNP ID: rs754394858). Although this variant has been seen in the general population in a heterozygous state, its frequency is low enough to be consistent with a recessive carrier frequency. This nonsense variant leads to a premature termination codon at position 2551, which is predicted to lead to a truncated or absent protein. Loss of function of the NEB gene is an established disease mechanism in autosomal recessive nemaline myopathy. The phenotype of an individual heterozygous for this variant is highly specific for nemaline myopathy based on the presence of nemaline rods on a muscle biopsy consistent with disease (PMID: 32222963). In summary, this variant meets criteria to be classified as pathogenic for autosomal recessive nemaline myopathy. ACMG/AMP Criteria applied: PVS1, PP4, PM2_supporting (Richards 2015).

NM_001164508.2(NEB):c.7653C>G (p.Tyr2551Ter)

Gene: NEB (nebulin; minus strand). Cytogenetic location: 2q23.3.
Variant type: single nucleotide variant.
Coding change: c.7653C>G on transcript NM_001164508.2 (MANE Select); coding-DNA position 7653, C replaced by G.
Protein change: p.Tyr2551Ter; replaces tyrosine 2551 with a stop codon.
Molecular consequence: nonsense.
Genome position (GRCh38, 1-based): chr2:151,644,121, G>C on the plus strand (C>G on the coding strand, the complement: NEB is on the minus strand). VCF-style: chr2-151644121-G-C. GRCh37 (hg19) VCF-style: chr2-152500635-G-C.
Other names: NM_001164508.2:c.7653C>G; c.7653C>G, p.Tyr2551Ter (NM_001164507.2, NM_001271208.2, NM_004543.5); short protein forms Y2551*.
Identifiers: ClinVar variation 3776984 (VCV003776984.1).